The following is an entry in ClinVar:

NM_000135.4(FANCA):c.2119A>T (p.Asn707Tyr)

Gene: FANCA (FA complementation group A; minus strand). Cytogenetic location: 16q24.3.
Variant type: single nucleotide variant.
Coding change: c.2119A>T on transcript NM_000135.4 (MANE Select); coding-DNA position 2119, A replaced by T.
Protein change: p.Asn707Tyr; replaces asparagine 707 with tyrosine.
Molecular consequence: missense variant.
Genome position (GRCh38, 1-based): chr16:89,771,710, T>A on the plus strand (A>T on the coding strand, the complement: FANCA is on the minus strand). VCF-style: chr16-89771710-T-A. GRCh37 (hg19) VCF-style: chr16-89838118-T-A.
Other names: c.2119A>T, p.Asn707Tyr (NM_001286167.3); short protein forms N707Y.
Identifiers: ClinVar variation 4254247 (VCV004254247.1).
Genomic context (GRCh38, chr16:89,771,710, plus strand): 5'-CTGCTTTGTTCTGAGCCCCTACACCTACCATGTGTTCCCGTGGCTCCAGTCTCGGCGTGT[T>A]GATGCTGAGCTGAATCTTTGATATCTCAACGCTGCTGTCATCCTCATTGTGGCCCAGGAC-3'
Protein context (NP_000126.2, residues 697-717): VEISKIQLSI[Asn707Tyr]TPRLEPREHM

ClinVar aggregate classification (germline): Uncertain significance (1 of 4 stars; one submission).

Conditions:
Inborn genetic diseases. Identifiers: MedGen C0950123, MeSH D030342.

gnomAD v4.1: 1 of 1,614,198 alleles (0.000062%); highest among the groups gnomAD compares: Non-Finnish European, 0.000085%; no homozygotes.

Submission:

Ambry Genetics
Classification: Uncertain significance for Inborn genetic diseases. Last evaluated: 2025-08-02. Review status: criteria provided, single submitter. Criteria: Ambry Variant Classification Scheme 2023. Collection method: clinical testing. Allele origin: germline.
Comment: The p.N707Y variant (also known as c.2119A>T), located in coding exon 23 of the FANCA gene, results from an A to T substitution at nucleotide position 2119. The asparagine at codon 707 is replaced by tyrosine, an amino acid with dissimilar properties. This amino acid position is conserved. In addition, this alteration is predicted to be tolerated by in silico analysis. Based on the available evidence, the clinical significance of this variant remains unclear.